The following is an entry in ClinVar:

ClinVar aggregate classification (germline): Uncertain significance (1 of 4 stars; one submission).

Conditions:
Hereditary diffuse gastric adenocarcinoma (HDGC). Also called: DIFFUSE GASTRIC AND LOBULAR BREAST CANCER SYNDROME. Identifiers: Orphanet 26106, MedGen C1708349, MONDO:0007648, OMIM 137215.

Allele frequency attached by ClinVar (database versions not stated): gnomAD exomes below 0.00001.
gnomAD v4.1: 1 of 894,980 alleles (0.00011%); highest among the groups gnomAD compares: Admixed American, 0.0019%; no homozygotes.

Submission:

European Reference Network on Genetic Tumour Risk Syndromes (ERN-GENTURIS), i3s - Instituto de Investigação e Inovação em Saúde, University of Porto
Classification: Uncertain significance for Hereditary diffuse gastric adenocarcinoma. Last evaluated: 2022-08-01. Review status: criteria provided, single submitter. Criteria: Lee et al. (Hum Mutat. 2018). Collection method: clinical testing. Allele origin: germline. Inheritance: Autosomal dominant inheritance. Affected: no. Study: ERN GENTURIS.
Comment: PM2 (PMID: 30311375)

Literature cited by the submitters: PubMed 36436516.

NM_004360.5(CDH1):c.1712-103A>G

Gene: CDH1 (cadherin 1; plus strand). Cytogenetic location: 16q22.1.
Variant type: single nucleotide variant.
Coding change: c.1712-103A>G on transcript NM_004360.5 (MANE Select); 103 bases into the intron before coding-DNA position 1712, A replaced by G.
Molecular consequence: intron variant.
Genome position (GRCh38, 1-based): chr16:68,821,898, A>G. VCF-style: chr16-68821898-A-G. GRCh37 (hg19) VCF-style: chr16-68855801-A-G.
Other names: c.164-103A>G (NM_001317185.2); c.-254-103A>G (NM_001317186.2); c.1529-103A>G (NM_001317184.2).
Identifiers: ClinVar variation 2502975 (VCV002502975.1), dbSNP rs2543941540, ClinGen allele CA2580612875.